The following is an entry in ClinVar:

NM_080680.3(COL11A2):c.4706G>A (p.Arg1569His)

Gene: COL11A2 (collagen type XI alpha 2 chain; minus strand). Cytogenetic location: 6p21.32.
Variant type: single nucleotide variant.
Coding change: c.4706G>A on transcript NM_080680.3 (MANE Select); coding-DNA position 4706, G replaced by A.
Protein change: p.Arg1569His; replaces arginine 1569 with histidine.
Molecular consequence: missense variant.
Genome position (GRCh38, 1-based): chr6:33,165,593, C>T on the plus strand (G>A on the coding strand, the complement: COL11A2 is on the minus strand). VCF-style: chr6-33165593-C-T. GRCh37 (hg19) VCF-style: chr6-33133370-C-T.
Other names: c.4385G>A, p.Arg1462His (NM_080679.3); c.4448G>A, p.Arg1483His (NM_080681.3); short protein forms R1462H, R1483H, R1569H.
Identifiers: ClinVar variation 906714 (VCV000906714.12), dbSNP rs749716412, ClinGen allele CA3750021.

ClinVar aggregate classification (germline): Conflicting classifications of pathogenicity. Review status: criteria provided, conflicting classifications (1 of 4 stars). 6 submissions from 4 submitters: Uncertain significance (5); Likely benign (1). Last evaluated 2025-12-17.

Conditions:
COL11A2-related disorder. Also called: COL11A2-related condition; COL11A2-related disorders.
Fibrochondrogenesis 2 (FBCG2). Identifiers: Orphanet 2021, MedGen C3281128, MONDO:0013795, OMIM 614524.
Otospondylomegaepiphyseal dysplasia, autosomal recessive (OSMEDB). Also called: Insley-Astley syndrome; CHONDRODYSTROPHY WITH SENSORINEURAL DEAFNESS. Identifiers: Orphanet 1427, MedGen CN034493, MONDO:0044206, OMIM 215150.
Otospondylomegaepiphyseal dysplasia, autosomal dominant (OSMEDA). Also called: Pierre Robin syndrome with fetal chondrodysplasia; Stickler syndrome, type 3; COL11A2-Related Stickler Syndrome. Identifiers: Orphanet 166100, Orphanet 3450, MedGen C1848488, MONDO:0008490, OMIM 184840.

Allele frequency attached by ClinVar (database versions not stated): ExAC 0.00001; TOPMed 0.00003; gnomAD 0.00004 and 0.00006.
gnomAD v4.1: 40 of 1,613,340 alleles (0.0025%); highest among the groups gnomAD compares: African/African-American, 0.0053%; no homozygotes.

Submissions (6):

Labcorp Genetics (formerly Invitae), Labcorp
Classification: Likely benign. Last evaluated: 2025-12-17. Review status: criteria provided, single submitter. Criteria: Invitae Variant Classification Sherloc (09022015). Collection method: clinical testing. Allele origin: germline.

PreventionGenetics, part of Exact Sciences
Classification: Uncertain significance for COL11A2-related condition. Last evaluated: 2025-11-19. Review status: criteria provided, single submitter. Criteria: ACMG Guidelines, 2015. Collection method: clinical testing. Allele origin: germline.
Comment: The COL11A2 c.4706G>A variant is predicted to result in the amino acid substitution p.Arg1569His. To our knowledge, this variant has not been reported in the literature. This variant is reported in 0.012% of alleles in individuals of African descent in gnomAD. At this time, the clinical significance of this variant is uncertain due to the absence of conclusive functional and genetic evidence.

GeneDx
Classification: Uncertain significance. Last evaluated: 2024-01-29. Review status: criteria provided, single submitter. Criteria: GeneDx Variant Classification Process June 2021. Collection method: clinical testing. Allele origin: germline. Affected: yes.
Comment: In silico analysis supports that this missense variant has a deleterious effect on protein structure/function; Has not been previously published as pathogenic or benign to our knowledge

Illumina Laboratory Services, Illumina
Classification: Uncertain significance for Otospondylomegaepiphyseal dysplasia, autosomal recessive. Last evaluated: 2018-01-13. Review status: criteria provided, single submitter. Criteria: ICSL Variant Classification Criteria 13 December 2019. Collection method: clinical testing. Allele origin: germline.

Illumina Laboratory Services, Illumina
Classification: Uncertain significance for Otospondylomegaepiphyseal dysplasia, autosomal dominant. Last evaluated: 2018-01-13. Review status: criteria provided, single submitter. Criteria: ICSL Variant Classification Criteria 13 December 2019. Collection method: clinical testing. Allele origin: germline.

Illumina Laboratory Services, Illumina
Classification: Uncertain significance for Fibrochondrogenesis 2. Last evaluated: 2018-01-13. Review status: criteria provided, single submitter. Criteria: ICSL Variant Classification Criteria 13 December 2019. Collection method: clinical testing. Allele origin: germline.